The following is an entry in ClinVar:

ClinVar aggregate classification (germline): Pathogenic (1 of 4 stars; one submission).

Submission:

Labcorp Genetics (formerly Invitae), Labcorp
Classification: Pathogenic. Last evaluated: 2022-09-28. Review status: criteria provided, single submitter. Criteria: Invitae Variant Classification Sherloc (09022015). Collection method: clinical testing. Allele origin: germline.
Comment: This variant is not present in population databases (gnomAD no frequency). This variant has not been reported in the literature in individuals affected with HPS3-related conditions. For these reasons, this variant has been classified as Pathogenic. This sequence change creates a premature translational stop signal (p.Pro319Hisfs*24) in the HPS3 gene. It is expected to result in an absent or disrupted protein product. Loss-of-function variants in HPS3 are known to be pathogenic (PMID: 11590544).

Literature cited by the submitters: PubMed 11590544.

NM_032383.5(HPS3):c.955_956insATTTA (p.Pro319fs)

Gene: HPS3 (HPS3 biogenesis of lysosomal organelles complex 2 subunit 1; plus strand). Cytogenetic location: 3q24.
Variant type: Insertion.
Coding change: c.955_956insATTTA on transcript NM_032383.5 (MANE Select); coding-DNA positions 955 to 956, ATTTA inserted.
Protein change: p.Pro319fs; shifts the reading frame from proline 319.
Molecular consequence: frameshift variant.
Genome position: GRCh38 VCF-style: chr3-149141365-C-CATTTA. GRCh37 (hg19) VCF-style: chr3-148859152-C-CATTTA.
Other names: c.460_461insATTTA, p.Pro154fs (NM_001308258.2); short protein forms P319fs, P154fs.
Identifiers: ClinVar variation 2033265 (VCV002033265.4), dbSNP rs2473073727, ClinGen allele CA2577931965.